The following is an entry in ClinVar:

ClinVar aggregate classification (germline): Likely pathogenic (1 of 4 stars; one submission).

Conditions:
Congenital myasthenic syndrome 19. Identifiers: Orphanet 590, MedGen C4225235, MONDO:0014745, OMIM 616720.

Submission:

Neuberg Centre For Genomic Medicine, NCGM
Classification: Likely pathogenic for Congenital myasthenic syndrome 19. Last evaluated: 2023-02-14. Review status: criteria provided, single submitter. Criteria: ACMG Guidelines, 2015. Collection method: clinical testing. Allele origin: germline. Inheritance: Autosomal recessive inheritance. Affected: yes.
Comment: The stop gained variant c.457G>T (p.Glu153Ter) in the COL13A1 gene has not been reported previously as a pathogenic variant nor as a benign variant, to our knowledge. The variant is novel (not in any individuals) in gnomAD Exomes and 1000 Genomes. This variant is predicted to cause a loss of normal protein function through protein truncation. Loss of function variants has been previously reported to be disease causing (Dusl et al., 2019). For these reasons, this variant has been classified as Likely Pathogenic. In the absence of 2nd heterozygous variant, the molecular diagnosis is not confirmed.

NM_001368882.1(COL13A1):c.457G>T (p.Glu153Ter)

Gene: COL13A1 (collagen type XIII alpha 1 chain; plus strand). Cytogenetic location: 10q22.1.
Variant type: single nucleotide variant.
Coding change: c.457G>T on transcript NM_001368882.1 (MANE Select); coding-DNA position 457, G replaced by T.
Protein change: p.Glu153Ter; replaces glutamic acid 153 with a stop codon.
Molecular consequence: nonsense. On other transcripts: 5 prime UTR variant (1), intron variant (10).
Genome position (GRCh38, 1-based): chr10:69,878,060, G>T. VCF-style: chr10-69878060-G-T. GRCh37 (hg19) VCF-style: chr10-71637816-G-T.
Other names: c.457G>T, p.Glu153Ter (NM_001320951.2, NM_001368884.1); c.421G>T, p.Glu141Ter (NM_001368883.1, NM_001368885.1); c.-233G>T (NM_001368886.1); c.436-2443G>T (NM_001130103.2, NM_080801.4, NM_080802.4 and 1 more transcripts); c.399+5850G>T (NM_080805.4, NM_001368897.1); c.373-2443G>T (NM_001368895.1); c.373-9396G>T (NM_001368898.1, NM_080798.4, NM_001368896.1); short protein forms E141*, E153*.
Identifiers: ClinVar variation 2664900 (VCV002664900.1), dbSNP rs1057204973, ClinGen allele CA2609465889.
Genomic context (GRCh38, chr10:69,878,060, plus strand): 5'-TTCCCTTCCTGCACCCTGTGTTGCATGTGGCTGCCCCAGGGAGTAAAGGGCCAACCAGGC[G>T]AGAAGGTGAGTCCACACTTTCCCCTTCTGCCCTGCACCCAGCCTCCTCCTCCAGGTGGAC-3'